The following is an entry in ClinVar:

NM_001146079.2(CLDN14):c.60C>T (p.Gly20=)

Genes: CLDN14 (claudin 14; minus strand), CLDN14-AS1 (CLDN14 antisense RNA 1; plus strand). Cytogenetic location: 21q22.13.
Variant type: single nucleotide variant.
Coding change: c.60C>T on transcript NM_001146079.2 (MANE Select); coding-DNA position 60, C replaced by T.
Protein change: p.Gly20=; no amino-acid change (glycine 20 retained).
Molecular consequence: synonymous variant.
Genome position (GRCh38, 1-based): chr21:36,461,636, G>A on the plus strand (C>T on the coding strand, the complement: CLDN14 is on the minus strand). VCF-style: chr21-36461636-G-A. GRCh37 (hg19) VCF-style: chr21-37833934-G-A.
Other names: c.60C>T, p.Gly20= (NM_001146077.2, NM_001146078.3, NM_012130.4 and 1 more transcripts).
Identifiers: ClinVar variation 64488 (VCV000064488.2), dbSNP rs387907415, ClinGen allele CA216254.

ClinVar aggregate classification (germline): Uncertain significance (0 of 4 stars; one submission).

Allele frequency attached by ClinVar (database versions not stated): gnomAD exomes below 0.00001; gnomAD 0.00001; TOPMed below 0.00001.
gnomAD v4.1: 2 of 1,578,804 alleles (0.00013%); highest among the groups gnomAD compares: Non-Finnish European, 0.00017%; no homozygotes.

Submission:

Martin Pollak Laboratory,  Beth Israel Deaconess Medical Center
Classification: Uncertain significance. Review status: no assertion criteria provided. Collection method: not provided. Allele origin: unknown.
Comment: Lower and higher UCa2+ groups
ClinVar note: Converted during submission from unknown to Uncertain significance.